The following is an entry in ClinVar:

ClinVar aggregate classification (germline): Uncertain significance. Review status: criteria provided, multiple submitters, no conflicts (2 of 4 stars). 2 submissions from 2 submitters: Uncertain significance (2). Last evaluated 2021-03-18.

Allele frequency attached by ClinVar (database versions not stated): gnomAD exomes below 0.00001; gnomAD 0.00001; TOPMed 0.00001.
gnomAD v4.1: 3 of 1,596,442 alleles (0.00019%); highest among the groups gnomAD compares: Non-Finnish European, 0.00026%; no homozygotes.

Submissions (2):

Labcorp Genetics (formerly Invitae), Labcorp
Classification: Uncertain significance. Last evaluated: 2021-03-18. Review status: criteria provided, single submitter. Criteria: Invitae Variant Classification Sherloc (09022015). Collection method: clinical testing. Allele origin: germline.
Comment: This variant has not been reported in the literature in individuals with USH1C-related disease. In summary, the available evidence is currently insufficient to determine the role of this variant in disease. Therefore, it has been classified as a Variant of Uncertain Significance. Nucleotide substitutions within the consensus splice site are a relatively common cause of aberrant splicing (PMID: 17576681, 9536098). Algorithms developed to predict the effect of sequence changes on RNA splicing suggest that this variant is not likely to affect RNA splicing, but this prediction has not been confirmed by published transcriptional studies. This variant is not present in population databases (ExAC no frequency). This sequence change falls in intron 20 of the USH1C gene. It does not directly change the encoded amino acid sequence of the USH1C protein, but it affects a nucleotide within the consensus splice site of the intron.

Blueprint Genetics
Classification: Uncertain significance. Last evaluated: 2018-01-22. Review status: criteria provided, single submitter. Criteria: ACMG Guidelines, 2015. Collection method: clinical testing. Allele origin: germline.

Literature cited by the submitters: PubMed 17576681 (cited by Labcorp Genetics (formerly Invitae), Labcorp); PubMed 9536098 (cited by Labcorp Genetics (formerly Invitae), Labcorp).

NM_153676.4(USH1C):c.2656-3C>T

Gene: USH1C (USH1 protein network component harmonin; minus strand). Cytogenetic location: 11p15.1.
Variant type: single nucleotide variant.
Coding change: c.2656-3C>T on transcript NM_153676.4 (MANE Select); 3 bases into the intron before coding-DNA position 2656, C replaced by T.
Molecular consequence: intron variant.
Genome position (GRCh38, 1-based): chr11:17,494,379, G>A on the plus strand (C>T on the coding strand, the complement: USH1C is on the minus strand). VCF-style: chr11-17494379-G-A. GRCh37 (hg19) VCF-style: chr11-17515926-G-A.
Other names: c.1590-3C>T (NM_001297764.2); c.1647-3C>T (NM_005709.4).
Identifiers: ClinVar variation 1409379 (VCV001409379.6), dbSNP rs1219323712, ClinGen allele CA674232829.